The following is an entry in ClinVar:

NM_014855.3(AP5Z1):c.731C>G (p.Ser244Cys)

Gene: AP5Z1 (adaptor related protein complex 5 subunit zeta 1; plus strand). Cytogenetic location: 7p22.1.
Variant type: single nucleotide variant.
Coding change: c.731C>G on transcript NM_014855.3 (MANE Select); coding-DNA position 731, C replaced by G.
Protein change: p.Ser244Cys; replaces serine 244 with cysteine.
Molecular consequence: missense variant. On other transcripts: non-coding transcript variant (1).
Genome position (GRCh38, 1-based): chr7:4,784,312, C>G. VCF-style: chr7-4784312-C-G. GRCh37 (hg19) VCF-style: chr7-4823943-C-G.
Other names: c.263C>G, p.Ser88Cys (NM_001364858.1); c.731C>G (NM_014855.2); short protein forms S244C, S88C.
Identifiers: ClinVar variation 2116484 (VCV002116484.5), dbSNP rs1781471201, ClinGen allele CA366660414.

ClinVar aggregate classification (germline): Uncertain significance. Review status: criteria provided, multiple submitters, no conflicts (2 of 4 stars). 2 submissions from 2 submitters: Uncertain significance (2). Last evaluated 2025-08-31.

Conditions:
Hereditary spastic paraplegia 48. Also called: SPASTIC PARAPLEGIA 48, AUTOSOMAL RECESSIVE; Spastic paraplegia 48. Identifiers: Orphanet 306511, MedGen C3150901, MONDO:0013342, OMIM 613647.
Inborn genetic diseases. Identifiers: MedGen C0950123, MeSH D030342.

Submissions (2):

Ambry Genetics
Classification: Uncertain significance for Inborn genetic diseases. Last evaluated: 2025-08-31. Review status: criteria provided, single submitter. Criteria: Ambry Variant Classification Scheme 2023. Collection method: clinical testing. Allele origin: germline.

Labcorp Genetics (formerly Invitae), Labcorp
Classification: Uncertain significance for Hereditary spastic paraplegia 48. Last evaluated: 2024-02-23. Review status: criteria provided, single submitter. Criteria: Invitae Variant Classification Sherloc (09022015). Collection method: clinical testing. Allele origin: germline.
Comment: This sequence change replaces serine, which is neutral and polar, with cysteine, which is neutral and slightly polar, at codon 244 of the AP5Z1 protein (p.Ser244Cys). This variant is not present in population databases (gnomAD no frequency). This variant has not been reported in the literature in individuals affected with AP5Z1-related conditions. ClinVar contains an entry for this variant (Variation ID: 2116484). Advanced modeling of protein sequence and biophysical properties (such as structural, functional, and spatial information, amino acid conservation, physicochemical variation, residue mobility, and thermodynamic stability) performed at Invitae indicates that this missense variant is expected to disrupt AP5Z1 protein function with a positive predictive value of 80%. In summary, the available evidence is currently insufficient to determine the role of this variant in disease. Therefore, it has been classified as a Variant of Uncertain Significance.